The following is an entry in ClinVar:

NM_000548.5(TSC2):c.1840-20C>T

Gene: TSC2 (TSC complex subunit 2; plus strand). Cytogenetic location: 16p13.3.
Variant type: single nucleotide variant.
Coding change: c.1840-20C>T on transcript NM_000548.5 (MANE Select); 20 bases into the intron before coding-DNA position 1840, C replaced by T.
Molecular consequence: intron variant.
Genome position (GRCh38, 1-based): chr16:2,071,490, C>T. VCF-style: chr16-2071490-C-T. GRCh37 (hg19) VCF-style: chr16-2121491-C-T.
Other names: c.1840-20C>T (NM_001114382.3, NM_021055.3, NM_001370405.1 and 3 more transcripts); c.1729-20C>T (NM_001318827.2); c.1240-20C>T (NM_001318831.2); c.1693-20C>T (NM_001318829.2); c.1873-20C>T (NM_001318832.2).
Identifiers: ClinVar variation 1558299 (VCV001558299.10), dbSNP rs370980659, ClinGen allele CA034046.

ClinVar aggregate classification (germline): Likely benign. Review status: criteria provided, multiple submitters, no conflicts (2 of 4 stars). 3 submissions from 3 submitters: Likely benign (3). Last evaluated 2025-09-24.

Conditions:
Tuberous sclerosis 2 (TSC2). Identifiers: Orphanet 805, MedGen C1860707, MONDO:0013199, OMIM 613254.

Allele frequency attached by ClinVar (database versions not stated): ExAC 0.00001; gnomAD 0.00001; gnomAD exomes 0.00001 and 0.00002; TOPMed 0.00002; ESP Exome Variant Server 0.00008.
gnomAD v4.1: 17 of 1,613,076 alleles (0.0011%); highest among the groups gnomAD compares: Admixed American, 0.0067%; no homozygotes.

Submissions (3):

Labcorp Genetics (formerly Invitae), Labcorp
Classification: Likely benign for Tuberous sclerosis 2. Last evaluated: 2025-09-24. Review status: criteria provided, single submitter. Criteria: Invitae Variant Classification Sherloc (09022015). Collection method: clinical testing. Allele origin: germline.

Myriad Genetics, Inc.
Classification: Likely benign for Tuberous sclerosis 2. Last evaluated: 2025-05-15. Review status: criteria provided, single submitter. Criteria: Myriad Autosomal Dominant, Autosomal Recessive and X-Linked Classification Criteria (2023). Collection method: clinical testing. Allele origin: unknown.
Comment: This variant is considered likely benign. This variant is intronic and is not expected to impact mRNA splicing.

Blueprint Genetics
Classification: Likely benign. Last evaluated: 2023-07-17. Review status: criteria provided, single submitter. Criteria: ACMG Guidelines, 2015. Collection method: clinical testing. Allele origin: germline.